The following is an entry in ClinVar:

NM_004260.4(RECQL4):c.709C>G (p.Pro237Ala)

Gene: RECQL4 (RecQ like helicase 4; minus strand). Cytogenetic location: 8q24.3.
Variant type: single nucleotide variant.
Coding change: c.709C>G on transcript NM_004260.4 (MANE Select); coding-DNA position 709, C replaced by G.
Protein change: p.Pro237Ala; replaces proline 237 with alanine.
Molecular consequence: missense variant.
Genome position (GRCh38, 1-based): chr8:144,516,410, G>C on the plus strand (C>G on the coding strand, the complement: RECQL4 is on the minus strand). VCF-style: chr8-144516410-G-C. GRCh37 (hg19) VCF-style: chr8-145741794-G-C.
Other names: short protein forms P237A.
Identifiers: ClinVar variation 663997 (VCV000663997.7), dbSNP rs370391716, ClinGen allele CA4949199.

ClinVar aggregate classification (germline): Uncertain significance. Review status: criteria provided, multiple submitters, no conflicts (2 of 4 stars). 2 submissions from 2 submitters: Uncertain significance (2). Last evaluated 2025-08-20.

Conditions:
Inborn genetic diseases. Identifiers: MedGen C0950123, MeSH D030342.
Baller-Gerold syndrome (BGS). Also called: CRANIOSYNOSTOSIS WITH RADIAL DEFECTS. Identifiers: Orphanet 1225, MedGen C0265308, MONDO:0009039, OMIM 218600.

Allele frequency attached by ClinVar (database versions not stated): gnomAD 0.00003 and 0.00004; TOPMed 0.00003; ESP Exome Variant Server 0.00008.

Submissions (2):

Labcorp Genetics (formerly Invitae), Labcorp
Classification: Uncertain significance for Baller-Gerold syndrome. Last evaluated: 2025-08-20. Review status: criteria provided, single submitter. Criteria: Invitae Variant Classification Sherloc (09022015). Collection method: clinical testing. Allele origin: germline.
Comment: This sequence change replaces proline, which is neutral and non-polar, with alanine, which is neutral and non-polar, at codon 237 of the RECQL4 protein (p.Pro237Ala). This variant is present in population databases (rs370391716, gnomAD 0.004%). This variant has not been reported in the literature in individuals affected with RECQL4-related conditions. ClinVar contains an entry for this variant (Variation ID: 663997). Experimental studies and prediction algorithms are not available or were not evaluated, and the functional significance of this variant is currently unknown. In summary, the available evidence is currently insufficient to determine the role of this variant in disease. Therefore, it has been classified as a Variant of Uncertain Significance.

Ambry Genetics
Classification: Uncertain significance for Inborn genetic diseases. Last evaluated: 2024-11-22. Review status: criteria provided, single submitter. Criteria: Ambry Variant Classification Scheme 2023. Collection method: clinical testing. Allele origin: germline.
Comment: The p.P237A variant (also known as c.709C>G), located in coding exon 5 of the RECQL4 gene, results from a C to G substitution at nucleotide position 709. The proline at codon 237 is replaced by alanine, an amino acid with highly similar properties. This amino acid position is conserved. In addition, this alteration is predicted to be tolerated by in silico analysis. Based on the available evidence, the clinical significance of this variant remains unclear.